The following is an entry in ClinVar:

ClinVar aggregate classification (germline): Uncertain significance (1 of 4 stars; one submission).

Allele frequency attached by ClinVar (database versions not stated): ExAC 0.00001.
gnomAD v4.1: 2 of 1,613,856 alleles (0.00012%); highest among the groups gnomAD compares: Admixed American, 0.0017%; no homozygotes.

Submission:

Labcorp Genetics (formerly Invitae), Labcorp
Classification: Uncertain significance. Last evaluated: 2023-07-07. Review status: criteria provided, single submitter. Criteria: Invitae Variant Classification Sherloc (09022015). Collection method: clinical testing. Allele origin: germline.
Comment: In summary, the available evidence is currently insufficient to determine the role of this variant in disease. Therefore, it has been classified as a Variant of Uncertain Significance. Algorithms developed to predict the effect of missense changes on protein structure and function output the following: SIFT: "Not Available"; PolyPhen-2: "Benign"; Align-GVGD: "Not Available". The arginine amino acid residue is found in multiple mammalian species, which suggests that this missense change does not adversely affect protein function. This sequence change replaces glycine, which is neutral and non-polar, with arginine, which is basic and polar, at codon 1017 of the SETD5 protein (p.Gly1017Arg). This variant is not present in population databases (gnomAD no frequency). This variant has not been reported in the literature in individuals affected with SETD5-related conditions. ClinVar contains an entry for this variant (Variation ID: 1947798).

NM_001080517.3(SETD5):c.3049G>C (p.Gly1017Arg)

Gene: SETD5 (SET domain containing 5; plus strand). Cytogenetic location: 3p25.3.
Variant type: single nucleotide variant.
Coding change: c.3049G>C on transcript NM_001080517.3 (MANE Select); coding-DNA position 3049, G replaced by C.
Protein change: p.Gly1017Arg; replaces glycine 1017 with arginine.
Molecular consequence: missense variant.
Genome position (GRCh38, 1-based): chr3:9,470,783, G>C. VCF-style: chr3-9470783-G-C. GRCh37 (hg19) VCF-style: chr3-9512467-G-C.
Other names: c.2755G>C, p.Gly919Arg (NM_001292043.2, NM_001349451.2); short protein forms G919R, G1017R.
Identifiers: ClinVar variation 1947798 (VCV001947798.5), dbSNP rs770765185, ClinGen allele CA2239592.